The following is an entry in ClinVar:

ClinVar aggregate classification (germline): Uncertain significance. Review status: criteria provided, multiple submitters, no conflicts (2 of 4 stars). 2 submissions from 2 submitters: Uncertain significance (2). Last evaluated 2024-03-25.

Conditions:
Inborn genetic diseases. Identifiers: MedGen C0950123, MeSH D030342.
Hereditary spastic paraplegia 47. Also called: adaptor protein 4 (AP-4) deficiency syndrome; Spastic paraplegia 47, autosomal recessive; CEREBRAL PALSY, SPASTIC QUADRIPLEGIC, 5. Identifiers: Orphanet 280763, MedGen C3279738, MONDO:0013551, OMIM 614066.

Allele frequency attached by ClinVar (database versions not stated): gnomAD exomes below 0.00001.
gnomAD v4.1: 1 of 1,614,118 alleles (0.000062%); highest among the groups gnomAD compares: Non-Finnish European, 0.000085%; no homozygotes.

Submissions (2):

Ambry Genetics
Classification: Uncertain significance for Inborn genetic diseases. Last evaluated: 2024-03-25. Review status: criteria provided, single submitter. Criteria: Ambry Variant Classification Scheme 2023. Collection method: clinical testing. Allele origin: germline.

Labcorp Genetics (formerly Invitae), Labcorp
Classification: Uncertain significance for Hereditary spastic paraplegia 47. Last evaluated: 2022-07-12. Review status: criteria provided, single submitter. Criteria: Invitae Variant Classification Sherloc (09022015). Collection method: clinical testing. Allele origin: germline.
Comment: Algorithms developed to predict the effect of sequence changes on RNA splicing suggest that this variant may disrupt the consensus splice site. In summary, the available evidence is currently insufficient to determine the role of this variant in disease. Therefore, it has been classified as a Variant of Uncertain Significance. Algorithms developed to predict the effect of missense changes on protein structure and function are either unavailable or do not agree on the potential impact of this missense change (SIFT: "Tolerated"; PolyPhen-2: "Possibly Damaging"; Align-GVGD: "Class C0"). This sequence change replaces aspartic acid, which is acidic and polar, with asparagine, which is neutral and polar, at codon 432 of the AP4B1 protein (p.Asp432Asn). This variant is not present in population databases (gnomAD no frequency). This variant has not been reported in the literature in individuals affected with AP4B1-related conditions. ClinVar contains an entry for this variant (Variation ID: 841009).

NM_001253852.3(AP4B1):c.1294G>A (p.Asp432Asn)

Genes: AP4B1 (adaptor related protein complex 4 subunit beta 1; minus strand), AP4B1-AS1 (AP4B1 antisense RNA 1; plus strand). Cytogenetic location: 1p13.2.
Variant type: single nucleotide variant.
Coding change: c.1294G>A on transcript NM_001253852.3 (MANE Select); coding-DNA position 1294, G replaced by A.
Protein change: p.Asp432Asn; replaces aspartic acid 432 with asparagine.
Molecular consequence: missense variant.
Genome position (GRCh38, 1-based): chr1:113,897,848, C>T on the plus strand (G>A on the coding strand, the complement: AP4B1 is on the minus strand). VCF-style: chr1-113897848-C-T. GRCh37 (hg19) VCF-style: chr1-114440470-C-T.
Other names: c.1294G>A (NM_006594.2); c.997G>A, p.Asp333Asn (NM_001253853.3); c.790G>A, p.Asp264Asn (NM_001308312.2); c.1294G>A, p.Asp432Asn (NM_006594.5); short protein forms D333N, D264N, D432N.
Identifiers: ClinVar variation 841009 (VCV000841009.10), dbSNP rs1667689616, ClinGen allele CA341711341.